The following is an entry in ClinVar:

NM_005505.5(SCARB1):c.431C>T (p.Ala144Val)

Gene: SCARB1 (scavenger receptor class B member 1; minus strand). Cytogenetic location: 12q24.31.
Variant type: single nucleotide variant.
Coding change: c.431C>T on transcript NM_005505.5 (MANE Select); coding-DNA position 431, C replaced by T.
Protein change: p.Ala144Val; replaces alanine 144 with valine.
Molecular consequence: missense variant. On other transcripts: non-coding transcript variant (9).
Genome position (GRCh38, 1-based): chr12:124,814,401, G>A on the plus strand (C>T on the coding strand, the complement: SCARB1 is on the minus strand). VCF-style: chr12-124814401-G-A. GRCh37 (hg19) VCF-style: chr12-125298947-G-A.
Other names: c.431C>T, p.Ala144Val (NM_001082959.2, NM_001367981.1, NM_001367983.1 and 6 more transcripts); c.308C>T, p.Ala103Val (NM_001367982.1); short protein forms A144V, A103V.
Identifiers: ClinVar variation 2716608 (VCV002716608.3), dbSNP rs746188189, ClinGen allele CA6870542.

ClinVar aggregate classification (germline): Uncertain significance (1 of 4 stars; one submission).

Allele frequency attached by ClinVar (database versions not stated): gnomAD exomes 0.00004; ExAC 0.00006; gnomAD 0.00006; TOPMed 0.00012.
gnomAD v4.1: 63 of 1,613,162 alleles (0.0039%); highest among the groups gnomAD compares: Middle Eastern, 0.037%; no homozygotes.

Submission:

Labcorp Genetics (formerly Invitae), Labcorp
Classification: Uncertain significance. Last evaluated: 2023-01-22. Review status: criteria provided, single submitter. Criteria: Invitae Variant Classification Sherloc (09022015). Collection method: clinical testing. Allele origin: germline.
Comment: This variant has not been reported in the literature in individuals affected with SCARB1-related conditions. In summary, the available evidence is currently insufficient to determine the role of this variant in disease. Therefore, it has been classified as a Variant of Uncertain Significance. Advanced modeling of protein sequence and biophysical properties (such as structural, functional, and spatial information, amino acid conservation, physicochemical variation, residue mobility, and thermodynamic stability) performed at Invitae indicates that this missense variant is not expected to disrupt SCARB1 protein function. This variant is present in population databases (rs746188189, gnomAD 0.006%). This sequence change replaces alanine, which is neutral and non-polar, with valine, which is neutral and non-polar, at codon 144 of the SCARB1 protein (p.Ala144Val).